The following is an entry in ClinVar:

ClinVar aggregate classification (germline): Uncertain significance (1 of 4 stars; one submission).

Conditions:
Familial thoracic aortic aneurysm and aortic dissection (TAAD). Also called: Thoracic aortic aneurysms and dissections. Identifiers: Orphanet 91387, MedGen C4707243, MONDO:0019625.
Marfan syndrome (MFS). Also called: MARFAN SYNDROME, TYPE I; Marfan syndrome type 1; Marfan's syndrome; Marfan syndrome, classic; FBN1-Related Marfan Syndrome. Identifiers: Orphanet 284963, Orphanet 558, MedGen C0024796, MONDO:0007947, OMIM 154700.

Submission:

Labcorp Genetics (formerly Invitae), Labcorp
Classification: Uncertain significance for Marfan syndrome; Familial thoracic aortic aneurysm and aortic dissection. Last evaluated: 2022-10-19. Review status: criteria provided, single submitter. Criteria: Invitae Variant Classification Sherloc (09022015). Collection method: clinical testing. Allele origin: germline.
Comment: Algorithms developed to predict the effect of sequence changes on RNA splicing suggest that this variant is not likely to affect RNA splicing. This variant has not been reported in the literature in individuals affected with FBN1-related conditions. This variant is not present in population databases (gnomAD no frequency). This sequence change affects codon 1154 of the FBN1 mRNA. It is a 'silent' change, meaning that it does not change the encoded amino acid sequence of the FBN1 protein. It affects a nucleotide within the consensus splice site. In summary, the available evidence is currently insufficient to determine the role of this variant in disease. Therefore, it has been classified as a Variant of Uncertain Significance.

NM_000138.5(FBN1):c.3462C>A (p.Ile1154=)

Gene: FBN1 (fibrillin 1; minus strand). Cytogenetic location: 15q21.1.
Variant type: single nucleotide variant.
Coding change: c.3462C>A on transcript NM_000138.5 (MANE Select); coding-DNA position 3462, C replaced by A.
Protein change: p.Ile1154=; no amino-acid change (isoleucine 1154 retained).
Molecular consequence: synonymous variant.
Genome position (GRCh38, 1-based): chr15:48,487,313, G>T on the plus strand (C>A on the coding strand, the complement: FBN1 is on the minus strand). VCF-style: chr15-48487313-G-T. GRCh37 (hg19) VCF-style: chr15-48779510-G-T.
Other names: c.3462C>A, p.Ile1154= (NM_001406716.1).
Identifiers: ClinVar variation 2005890 (VCV002005890.4), dbSNP rs144339604, ClinGen allele CA490018225.